The following is an entry in ClinVar:

ClinVar aggregate classification (germline): Uncertain significance (1 of 4 stars; one submission).

Submission:

Dasa
Classification: Uncertain significance. Last evaluated: 2026-01-05. Review status: criteria provided, single submitter. Criteria: DASA Assertion Criteria. Collection method: clinical testing. Allele origin: germline.
Comment: NM_001376.5(DYNC1H1):c.13007-128G>C is an intronic variant. This variant is absent from population databases. The currently available literature and clinical evidence are not sufficient to establish a definitive association between this variant and the reported condition. Therefore, this variant is classified as a variant of uncertain significance.

NM_001376.5(DYNC1H1):c.13007-128G>C

Gene: DYNC1H1 (dynein cytoplasmic 1 heavy chain 1; plus strand). Cytogenetic location: 14q32.31.
Variant type: single nucleotide variant.
Coding change: c.13007-128G>C on transcript NM_001376.5 (MANE Select); 128 bases into the intron before coding-DNA position 13007, G replaced by C.
Molecular consequence: intron variant.
Genome position (GRCh38, 1-based): chr14:102,047,689, G>C. VCF-style: chr14-102047689-G-C. GRCh37 (hg19) VCF-style: chr14-102514026-G-C.
Identifiers: ClinVar variation 4883007 (VCV004883007.2).